The following is an entry in ClinVar:

NM_015662.3(IFT172):c.1097A>C (p.Glu366Ala)

Gene: IFT172 (intraflagellar transport 172; minus strand). Cytogenetic location: 2p23.3.
Variant type: single nucleotide variant.
Coding change: c.1097A>C on transcript NM_015662.3 (MANE Select); coding-DNA position 1097, A replaced by C.
Protein change: p.Glu366Ala; replaces glutamic acid 366 with alanine.
Molecular consequence: missense variant.
Genome position (GRCh38, 1-based): chr2:27,478,065, T>G on the plus strand (A>C on the coding strand, the complement: IFT172 is on the minus strand). VCF-style: chr2-27478065-T-G. GRCh37 (hg19) VCF-style: chr2-27700932-T-G.
Other names: short protein forms E366A.
Identifiers: ClinVar variation 933895 (VCV000933895.9), dbSNP rs1668096577, ClinGen allele CA346395163.

ClinVar aggregate classification (germline): Uncertain significance (1 of 4 stars; one submission).

Conditions:
Retinitis pigmentosa 71 (RP71). Identifiers: Orphanet 791, MedGen C4225342, MONDO:0014618, OMIM 616394.
Short-rib thoracic dysplasia 10 with or without polydactyly (SRTD10). Identifiers: Orphanet 474, MedGen C3810175, MONDO:0014284, OMIM 615630.

Submission:

Labcorp Genetics (formerly Invitae), Labcorp
Classification: Uncertain significance for Retinitis pigmentosa 71; Short-rib thoracic dysplasia 10 with or without polydactyly. Last evaluated: 2019-08-29. Review status: criteria provided, single submitter. Criteria: Invitae Variant Classification Sherloc (09022015). Collection method: clinical testing. Allele origin: germline.
Comment: In summary, the available evidence is currently insufficient to determine the role of this variant in disease. Therefore, it has been classified as a Variant of Uncertain Significance. Algorithms developed to predict the effect of missense changes on protein structure and function are either unavailable or do not agree on the potential impact of this missense change (SIFT: "Deleterious"; PolyPhen-2: "Benign"; Align-GVGD: "Class C0"). This variant has not been reported in the literature in individuals with IFT172-related conditions. This variant is not present in population databases (ExAC no frequency). This sequence change replaces glutamic acid with alanine at codon 366 of the IFT172 protein (p.Glu366Ala). The glutamic acid residue is moderately conserved and there is a moderate physicochemical difference between glutamic acid and alanine.